The following is an entry in ClinVar:

NM_005419.4(STAT2):c.1465C>A (p.Pro489Thr)

Gene: STAT2 (signal transducer and activator of transcription 2; minus strand). Cytogenetic location: 12q13.3.
Variant type: single nucleotide variant.
Coding change: c.1465C>A on transcript NM_005419.4 (MANE Select); coding-DNA position 1465, C replaced by A.
Protein change: p.Pro489Thr; replaces proline 489 with threonine.
Molecular consequence: missense variant. On other transcripts: intron variant (1).
Genome position (GRCh38, 1-based): chr12:56,349,035, G>T on the plus strand (C>A on the coding strand, the complement: STAT2 is on the minus strand). VCF-style: chr12-56349035-G-T. GRCh37 (hg19) VCF-style: chr12-56742819-G-T.
Other names: c.1432C>A, p.Pro478Thr (NM_001385110.1); c.1366C>A, p.Pro456Thr (NM_001385111.1); c.1465C>A, p.Pro489Thr (NM_001385113.1); c.1444C>A, p.Pro482Thr (NM_001385114.1); c.1453C>A, p.Pro485Thr (NM_198332.2); c.1429-6C>A (NM_001385115.1); short protein forms P489T, P482T, P485T, P456T, P478T.
Identifiers: ClinVar variation 1922466 (VCV001922466.5), dbSNP rs149351309, ClinGen allele CA6630494.

ClinVar aggregate classification (germline): Uncertain significance (1 of 4 stars; one submission).

Conditions:
Primary immunodeficiency with post-measles-mumps-rubella vaccine viral infection. Also called: Immunodeficiency 44. Identifiers: Orphanet 431166, MedGen C4225260, MONDO:0014715, OMIM 616636.

Allele frequency attached by ClinVar (database versions not stated): ExAC 0.00003; ESP Exome Variant Server 0.00008.
gnomAD v4.1: 18 of 1,613,520 alleles (0.0011%); highest among the groups gnomAD compares: Non-Finnish European, 0.0014%; no homozygotes.

Submission:

Labcorp Genetics (formerly Invitae), Labcorp
Classification: Uncertain significance for Primary immunodeficiency with post-measles-mumps-rubella vaccine viral infection. Last evaluated: 2022-06-10. Review status: criteria provided, single submitter. Criteria: Invitae Variant Classification Sherloc (09022015). Collection method: clinical testing. Allele origin: germline.
Comment: In summary, the available evidence is currently insufficient to determine the role of this variant in disease. Therefore, it has been classified as a Variant of Uncertain Significance. Advanced modeling of protein sequence and biophysical properties (such as structural, functional, and spatial information, amino acid conservation, physicochemical variation, residue mobility, and thermodynamic stability) performed at Invitae indicates that this missense variant is expected to disrupt STAT2 protein function. This variant has not been reported in the literature in individuals affected with STAT2-related conditions. This variant is present in population databases (rs149351309, gnomAD 0.006%). This sequence change replaces proline, which is neutral and non-polar, with threonine, which is neutral and polar, at codon 489 of the STAT2 protein (p.Pro489Thr).